The following is an entry in ClinVar:

NM_001903.5(CTNNA1):c.1143+8_1143+9delinsCA

Gene: CTNNA1 (catenin alpha 1; plus strand). Cytogenetic location: 5q31.2.
Variant type: Indel.
Coding change: c.1143+8_1143+9delinsCA on transcript NM_001903.5 (MANE Select); bases 8 to 9 of the intron after coding-DNA position 1143, GG replaced by CA.
Molecular consequence: intron variant.
Genome position (GRCh38, 1-based): chr5:138,886,300-138,886,301, GG replaced by CA. VCF-style: chr5-138886300-GG-CA. GRCh37 (hg19) VCF-style: chr5-138221989-GG-CA.
Other names: c.1143+8_1143+9delinsCA (NM_001323982.2, NM_001323984.2, NM_001290307.3 and 3 more transcripts); c.774+8_774+9delinsCA (NM_001290310.3); c.834+8_834+9delinsCA (NM_001290309.3); c.33+8_33+9delinsCA (NM_001323996.1, NM_001323993.1, NM_001324005.1 and 18 more transcripts); c.-365+8_-365+9delinsCA (NM_001324007.1, NM_001324009.1, NM_001324006.1 and 1 more transcripts); c.-240+8_-240+9delinsCA (NM_001324013.1); c.-58+10703_-58+10704delinsCA (NM_001324012.1); c.-61+10703_-61+10704delinsCA (NM_001324010.1).
Identifiers: ClinVar variation 1671049 (VCV001671049.9), dbSNP rs2150024720, ClinGen allele CA2573139311.
Genomic context (GRCh38, chr5:138,886,300, plus strand): 5'-TCAATTCTGCAATAGATAAAATGACCAAGAAGACCAGGGACTTGCGTAGACAGGTAATCT[GG>CA]ATGAAAGTGCTGATTGTTTTTCTAAGTTCTCAATTTTGTAGTTTTGATTAAAATCCTAAT-3'

ClinVar aggregate classification (germline): Likely benign. Review status: criteria provided, multiple submitters, no conflicts (2 of 4 stars). 2 submissions from 2 submitters: Likely benign (2). Last evaluated 2024-10-10.

Conditions:
Hereditary diffuse gastric adenocarcinoma (HDGC). Also called: DIFFUSE GASTRIC AND LOBULAR BREAST CANCER SYNDROME. Identifiers: Orphanet 26106, MedGen C1708349, MONDO:0007648, OMIM 137215.

Submissions (2):

Myriad Genetics, Inc.
Classification: Likely benign for Hereditary diffuse gastric adenocarcinoma. Last evaluated: 2024-10-10. Review status: criteria provided, single submitter. Criteria: Myriad Autosomal Dominant, Autosomal Recessive and X-Linked Classification Criteria (2023). Collection method: clinical testing. Allele origin: unknown.
Comment: This variant is considered likely benign. This variant is intronic and is not expected to impact mRNA splicing.

Labcorp Genetics (formerly Invitae), Labcorp
Classification: Likely benign. Last evaluated: 2023-08-04. Review status: criteria provided, single submitter. Criteria: Invitae Variant Classification Sherloc (09022015). Collection method: clinical testing. Allele origin: germline.